The following is an entry in ClinVar:

NM_015450.3(POT1):c.1747G>A (p.Val583Met)

Gene: POT1 (protection of telomeres 1; minus strand). Cytogenetic location: 7q31.33.
Variant type: single nucleotide variant.
Coding change: c.1747G>A on transcript NM_015450.3 (MANE Select); coding-DNA position 1747, G replaced by A.
Protein change: p.Val583Met; replaces valine 583 with methionine.
Molecular consequence: missense variant. On other transcripts: non-coding transcript variant (3).
Genome position (GRCh38, 1-based): chr7:124,825,297, C>T on the plus strand (G>A on the coding strand, the complement: POT1 is on the minus strand). VCF-style: chr7-124825297-C-T. GRCh37 (hg19) VCF-style: chr7-124465351-C-T.
Other names: c.1354G>A, p.Val452Met (NM_001042594.2); c.1747G>A (NM_015450.2); short protein forms V452M, V583M.
Identifiers: ClinVar variation 2130355 (VCV002130355.5), dbSNP rs2116407816, ClinGen allele CA369062293.

ClinVar aggregate classification (germline): Conflicting classifications of pathogenicity. Review status: criteria provided, conflicting classifications (1 of 4 stars). 2 submissions from 2 submitters: Uncertain significance (1); Likely benign (1). Last evaluated 2025-05-27.

Conditions:
Tumor predisposition syndrome 3 (TPDS3). Also called: Melanoma, cutaneous malignant, susceptibility to, 10; Glioma susceptibility 9; LONG TELOMERE SYNDROME, POT1-RELATED; POT1 Tumor Predisposition. Identifiers: Orphanet 618, MedGen C4014476, MONDO:0014368, OMIM 615848.
Hereditary cancer-predisposing syndrome. Also called: Neoplastic Syndromes, Hereditary; Hereditary Cancer Syndrome; Hereditary neoplastic syndrome; Tumor predisposition. Identifiers: Orphanet 140162, MedGen C0027672, MeSH D009386, MONDO:0015356.

Submissions (2):

Ambry Genetics
Classification: Likely benign for Hereditary cancer-predisposing syndrome. Last evaluated: 2025-05-27. Review status: criteria provided, single submitter. Criteria: Ambry Variant Classification Scheme 2023. Collection method: clinical testing. Allele origin: germline.

Labcorp Genetics (formerly Invitae), Labcorp
Classification: Uncertain significance for Tumor predisposition syndrome 3. Last evaluated: 2022-04-24. Review status: criteria provided, single submitter. Criteria: Invitae Variant Classification Sherloc (09022015). Collection method: clinical testing. Allele origin: germline.
Comment: Algorithms developed to predict the effect of missense changes on protein structure and function output the following: SIFT: "Tolerated"; PolyPhen-2: "Benign"; Align-GVGD: "Class C0". The methionine amino acid residue is found in multiple mammalian species, which suggests that this missense change does not adversely affect protein function. This variant has not been reported in the literature in individuals affected with POT1-related conditions. This variant is not present in population databases (gnomAD no frequency). This sequence change replaces valine, which is neutral and non-polar, with methionine, which is neutral and non-polar, at codon 583 of the POT1 protein (p.Val583Met). Algorithms developed to predict the effect of sequence changes on RNA splicing suggest that this variant may create or strengthen a splice site. In summary, the available evidence is currently insufficient to determine the role of this variant in disease. Therefore, it has been classified as a Variant of Uncertain Significance.